The following is an entry in ClinVar:

NM_033380.3(COL4A5):c.681_682del (p.Glu228fs)

Gene: COL4A5 (collagen type IV alpha 5 chain; plus strand). Cytogenetic location: Xq22.3.
Variant type: Deletion.
Coding change: c.681_682del on transcript NM_033380.3 (MANE Select); coding-DNA positions 681 to 682, 2 bases deleted (TG; older notation c.681_682delTG).
Protein change: p.Glu228fs; shifts the reading frame from glutamic acid 228.
Molecular consequence: frameshift variant.
Genome position (GRCh38, 1-based): chrX:108,578,113-108,578,114, TG deleted; deleting any 2 consecutive bases within chrX:108,578,112-108,578,114 gives the same sequence; the c. name uses the placement nearest the transcript's 3' end. VCF-style (leftmost placement, unchanged base first): chrX-108578111-GGT-G. GRCh37 (hg19) VCF-style: chrX-107821341-GGT-G.
Other names: c.681_682del, p.Glu228fs (NM_000495.5); short protein forms E228fs.
Identifiers: ClinVar variation 1726008 (VCV001726008.2), dbSNP rs2524234935, ClinGen allele CA2580100184.
Genomic context (GRCh38, chrX:108,578,111, plus strand): 5'-TTTTTAAATGGAAACTTCTCTCTCCAGGGGAATATGGGCTTAAATTTCCAGGGACCCAAA[GGT>G]GAAAAAGTGAGTAAAGAAAGAGAGCTGGTTATTCAGCCCTCAGCTTTCTCTTTTTGTAGT-3'

ClinVar aggregate classification (germline): Likely pathogenic (1 of 4 stars; one submission).

Conditions:
X-linked Alport syndrome (ATS1). Also called: NEPHROPATHY AND DEAFNESS, X-LINKED; COL4A5-Related Nephropathy. Identifiers: Orphanet 63, Orphanet 88917, MedGen C4746986, MONDO:0010520, OMIM 301050.

Submission:

Myriad Genetics, Inc.
Classification: Likely pathogenic for X-linked Alport syndrome. Last evaluated: 2022-05-04. Review status: criteria provided, single submitter. Criteria: Myriad Women's Health Autosomal Recessive and X-Linked Classification Criteria (2021). Collection method: clinical testing. Allele origin: unknown.
Comment: NM_000495.4(COL4A5):c.681_682delTG(E228Kfs*3) is expected to be pathogenic in the context of X-linked Alport syndrome. This variant is predicted to lead to an abnormal or absent protein product due to the creation of a premature termination codon in COL4A5, a gene where loss-of-function variants are known to be pathogenic. Please note: this variant was assessed in the context of healthy population screening.